The following is an entry in ClinVar:

NM_006892.4(DNMT3B):c.2353A>G (p.Lys785Glu)

Gene: DNMT3B (DNA methyltransferase 3 beta; plus strand). Cytogenetic location: 20q11.21.
Variant type: single nucleotide variant.
Coding change: c.2353A>G on transcript NM_006892.4 (MANE Select); coding-DNA position 2353, A replaced by G.
Protein change: p.Lys785Glu; replaces lysine 785 with glutamic acid.
Molecular consequence: missense variant. On other transcripts: intron variant (3).
Genome position (GRCh38, 1-based): chr20:32,806,260, A>G. VCF-style: chr20-32806260-A-G. GRCh37 (hg19) VCF-style: chr20-31394066-A-G.
Other names: c.2293A>G, p.Lys765Glu (NM_175848.2); c.2329A>G, p.Lys777Glu (NM_175850.3); c.2172-1502A>G (NM_175849.2); c.2046-1502A>G (NM_001207055.2); c.1944-1502A>G (NM_001207056.2); short protein forms K777E, K785E, K765E.
Identifiers: ClinVar variation 1042026 (VCV001042026.8), dbSNP rs1981972213, ClinGen allele CA408592375.

ClinVar aggregate classification (germline): Uncertain significance (1 of 4 stars; one submission).

Conditions:
Centromeric instability of chromosomes 1,9 and 16 and immunodeficiency (ICF1). Also called: CENTROMERIC INSTABILITY, IMMUNODEFICIENCY SYNDROME; IMMUNE DEFICIENCY, VARIABLE, WITH CENTROMERIC INSTABILITY OF CHROMOSOMES 1, 9, AND 16; IMMUNODEFICIENCY SYNDROME, VARIABLE; Immunodeficiency-centromeric instability-facial anomalies. Identifiers: Orphanet 2268, MedGen C0398788, MONDO:0000133.

Allele frequency attached by ClinVar (database versions not stated): gnomAD exomes below 0.00001; TOPMed below 0.00001.
gnomAD v4.1: 3 of 1,614,214 alleles (0.00019%); highest among the groups gnomAD compares: Non-Finnish European, 0.00025%; no homozygotes.

Submission:

Labcorp Genetics (formerly Invitae), Labcorp
Classification: Uncertain significance for Centromeric instability of chromosomes 1,9 and 16 and immunodeficiency. Last evaluated: 2022-09-13. Review status: criteria provided, single submitter. Criteria: Invitae Variant Classification Sherloc (09022015). Collection method: clinical testing. Allele origin: germline.
Comment: In summary, the available evidence is currently insufficient to determine the role of this variant in disease. Therefore, it has been classified as a Variant of Uncertain Significance. Advanced modeling of protein sequence and biophysical properties (such as structural, functional, and spatial information, amino acid conservation, physicochemical variation, residue mobility, and thermodynamic stability) has been performed at Invitae for this missense variant, however the output from this modeling did not meet the statistical confidence thresholds required to predict the impact of this variant on DNMT3B protein function. ClinVar contains an entry for this variant (Variation ID: 1042026). This variant has not been reported in the literature in individuals affected with DNMT3B-related conditions. This variant is not present in population databases (gnomAD no frequency). This sequence change replaces lysine, which is basic and polar, with glutamic acid, which is acidic and polar, at codon 785 of the DNMT3B protein (p.Lys785Glu).